The following is an entry in ClinVar:

NM_000051.4(ATM):c.3661T>C (p.Trp1221Arg)

Gene: ATM (ATM serine/threonine kinase; plus strand). Cytogenetic location: 11q22.3.
Variant type: single nucleotide variant.
Coding change: c.3661T>C on transcript NM_000051.4 (MANE Select); coding-DNA position 3661, T replaced by C.
Protein change: p.Trp1221Arg; replaces tryptophan 1221 with arginine.
Molecular consequence: missense variant.
Genome position (GRCh38, 1-based): chr11:108,282,794, T>C. VCF-style: chr11-108282794-T-C. GRCh37 (hg19) VCF-style: chr11-108153521-T-C.
Other names: c.3661T>C, p.Trp1221Arg (NM_001351834.2); short protein forms W1221R.
Identifiers: ClinVar variation 961846 (VCV000961846.14), dbSNP rs1565444832, ClinGen allele CA382523072.

ClinVar aggregate classification (germline): Uncertain significance. Review status: criteria provided, multiple submitters, no conflicts (2 of 4 stars). 3 submissions from 3 submitters: Uncertain significance (3). Last evaluated 2025-05-25.

Conditions:
Ataxia-telangiectasia syndrome (AT). Also called: AT, COMPLEMENTATION GROUP C; Ataxia telangiectasia (A-T); Cerebello-oculocutaneous telangiectasia; Immunodeficiency with ataxia telangiectasia; LOUIS-BAR SYNDROME; Ataxia-telangiectasia. Identifiers: Orphanet 100, MedGen C0004135, MONDO:0008840, OMIM 208900.
Hereditary cancer-predisposing syndrome. Also called: Hereditary neoplastic syndrome; Tumor predisposition; Neoplastic Syndromes, Hereditary; Hereditary Cancer Syndrome. Identifiers: Orphanet 140162, MedGen C0027672, MeSH D009386, MONDO:0015356.

Submissions (3):

Ambry Genetics
Classification: Uncertain significance for Hereditary cancer-predisposing syndrome. Last evaluated: 2025-05-25. Review status: criteria provided, single submitter. Criteria: Ambry Variant Classification Scheme 2023. Collection method: clinical testing. Allele origin: germline.
Comment: The p.W1221R variant (also known as c.3661T>C), located in coding exon 24 of the ATM gene, results from a T to C substitution at nucleotide position 3661. The tryptophan at codon 1221 is replaced by arginine, an amino acid with dissimilar properties. This amino acid position is highly conserved in available vertebrate species. In addition, this alteration is predicted to be deleterious by in silico analysis. Since supporting evidence is limited at this time, the clinical significance of this alteration remains unclear.

Women's Health and Genetics/Laboratory Corporation of America, LabCorp
Classification: Uncertain significance. Last evaluated: 2024-09-16. Review status: criteria provided, single submitter. Criteria: LabCorp Variant Classification Summary - May 2015. Collection method: clinical testing. Allele origin: germline.

Labcorp Genetics (formerly Invitae), Labcorp
Classification: Uncertain significance for Ataxia-telangiectasia syndrome. Last evaluated: 2022-07-15. Review status: criteria provided, single submitter. Criteria: Invitae Variant Classification Sherloc (09022015). Collection method: clinical testing. Allele origin: germline.
Comment: This variant has not been reported in the literature in individuals affected with ATM-related conditions. In summary, the available evidence is currently insufficient to determine the role of this variant in disease. Therefore, it has been classified as a Variant of Uncertain Significance. Advanced modeling of protein sequence and biophysical properties (such as structural, functional, and spatial information, amino acid conservation, physicochemical variation, residue mobility, and thermodynamic stability) performed at Invitae indicates that this missense variant is not expected to disrupt ATM protein function. ClinVar contains an entry for this variant (Variation ID: 961846). This variant is not present in population databases (gnomAD no frequency). This sequence change replaces tryptophan, which is neutral and slightly polar, with arginine, which is basic and polar, at codon 1221 of the ATM protein (p.Trp1221Arg).